The following is an entry in ClinVar:

ClinVar aggregate classification (germline): Benign. Review status: criteria provided, multiple submitters, no conflicts (2 of 4 stars). 4 submissions from 4 submitters: Benign (3). 1 of the submissions does not count toward it. Last evaluated 2026-02-02.

Conditions:
HELLS-related disorder. Also called: HELLS-related condition.
Immunodeficiency-centromeric instability-facial anomalies syndrome 4 (ICF4). Identifiers: Orphanet 2268, MedGen C4310798, MONDO:0014829, OMIM 616911.

Allele frequency attached by ClinVar (database versions not stated): gnomAD exomes 0.00213 and 0.00611; ExAC 0.00701; gnomAD 0.02232 and 0.02391; 1000 Genomes Project 0.02376; ESP Exome Variant Server 0.02538; TOPMed 0.02538; 1000 Genomes Project 30x 0.02655.
gnomAD v4.1: 6,555 of 1,562,744 alleles (0.42%); highest among the groups gnomAD compares: African/African-American, 7.3%; 205 homozygotes.

Submissions (4):

Labcorp Genetics (formerly Invitae), Labcorp
Classification: Benign. Last evaluated: 2026-02-02. Review status: criteria provided, single submitter. Criteria: Invitae Variant Classification Sherloc (09022015). Collection method: clinical testing. Allele origin: germline.

ARUP Laboratories, Molecular Genetics and Genomics, ARUP Laboratories
Classification: Benign for Immunodeficiency-centromeric instability-facial anomalies syndrome 4. Last evaluated: 2023-10-26. Review status: criteria provided, single submitter. Criteria: ARUP Molecular Germline Variant Investigation Process 2024. Collection method: clinical testing. Allele origin: germline.

Breakthrough Genomics
Classification: Benign. Review status: criteria provided, single submitter. Criteria: ACMG Guidelines, 2015. Collection method: not provided. Allele origin: germline. Inheritance: Autosomal recessive inheritance. Affected: yes.

PreventionGenetics, part of Exact Sciences
Classification: Benign for HELLS-related condition. Last evaluated: 2019-07-08. Review status: no assertion criteria provided. Collection method: clinical testing. Allele origin: germline. Not counted in ClinVar's aggregate classification.
Comment: This variant is classified as benign based on ACMG/AMP sequence variant interpretation guidelines (Richards et al. 2015 PMID: 25741868, with internal and published modifications).

NM_018063.5(HELLS):c.270A>G (p.Gln90=)

Gene: HELLS (helicase, lymphoid specific; plus strand). Cytogenetic location: 10q23.33.
Variant type: single nucleotide variant.
Coding change: c.270A>G on transcript NM_018063.5 (MANE Select); coding-DNA position 270, A replaced by G.
Protein change: p.Gln90=; no amino-acid change (glutamine 90 retained).
Molecular consequence: synonymous variant. On other transcripts: 5 prime UTR variant (4).
Genome position (GRCh38, 1-based): chr10:94,554,242, A>G. VCF-style: chr10-94554242-A-G. GRCh37 (hg19) VCF-style: chr10-96313999-A-G.
Other names: c.270A>G, p.Gln90= (NM_001289067.2, NM_001289069.2, NM_001289070.2 and 1 more transcripts); c.222A>G, p.Gln74= (NM_001289068.2); c.-147A>G (NM_001289071.2); c.-80A>G (NM_001289073.2); c.-733A>G (NM_001289074.2); c.-752A>G (NM_001289075.2).
Identifiers: ClinVar variation 776529 (VCV000776529.16), dbSNP rs58643119, ClinGen allele CA5615201.